The following is an entry in ClinVar:

NM_001999.4(FBN2):c.4717+285T>C

Gene: FBN2 (fibrillin 2; minus strand). Cytogenetic location: 5q23.3.
Variant type: single nucleotide variant.
Coding change: c.4717+285T>C on transcript NM_001999.4 (MANE Select); 285 bases into the intron after coding-DNA position 4717, T replaced by C.
Molecular consequence: intron variant.
Genome position (GRCh38, 1-based): chr5:128,317,864, A>G on the plus strand (T>C on the coding strand, the complement: FBN2 is on the minus strand). VCF-style: chr5-128317864-A-G. GRCh37 (hg19) VCF-style: chr5-127653556-A-G.
Identifiers: ClinVar variation 668958 (VCV000668958.1), dbSNP rs414540, ClinGen allele CA15412429.

ClinVar aggregate classification (germline): Benign (1 of 4 stars; one submission).

Allele frequency attached by ClinVar (database versions not stated): 1000 Genomes Project 30x 0.19488; 1000 Genomes Project 0.19549; gnomAD 0.21253 and 0.21525; TOPMed 0.22532.
gnomAD v4.1: 32,354 of 152,158 alleles (21%); highest among the groups gnomAD compares: African/African-American, 25%; 3,544 homozygotes.

Submission:

GeneDx
Classification: Benign. Last evaluated: 2018-06-18. Review status: criteria provided, single submitter. Criteria: GeneDx Variant Classification (06012015). Collection method: clinical testing. Allele origin: germline. Affected: yes.
Comment: This variant is considered likely benign or benign based on one or more of the following criteria: it is a conservative change, it occurs at a poorly conserved position in the protein, it is predicted to be benign by multiple in silico algorithms, and/or has population frequency not consistent with disease.